The following is an entry in ClinVar:

ClinVar aggregate classification (germline): Uncertain significance (1 of 4 stars; one submission).

Conditions:
Cardiovascular phenotype. Identifiers: MedGen CN230736.

Submission:

Ambry Genetics
Classification: Uncertain significance for Cardiovascular phenotype. Last evaluated: 2024-04-27. Review status: criteria provided, single submitter. Criteria: Ambry Variant Classification Scheme 2023. Collection method: clinical testing. Allele origin: germline.
Comment: The p.K930N variant (also known as c.2790G>T), located in coding exon 18 of the APOB gene, results from a G to T substitution at nucleotide position 2790. The lysine at codon 930 is replaced by asparagine, an amino acid with similar properties. This amino acid position is conserved. In addition, this alteration is predicted to be tolerated by in silico analysis. Based on the available evidence, the clinical significance of this variant remains unclear.

NM_000384.3(APOB):c.2790G>T (p.Lys930Asn)

Gene: APOB (apolipoprotein B; minus strand). Cytogenetic location: 2p24.1.
Variant type: single nucleotide variant.
Coding change: c.2790G>T on transcript NM_000384.3 (MANE Select); coding-DNA position 2790, G replaced by T.
Protein change: p.Lys930Asn; replaces lysine 930 with asparagine.
Molecular consequence: missense variant.
Genome position (GRCh38, 1-based): chr2:21,022,857, C>A on the plus strand (G>T on the coding strand, the complement: APOB is on the minus strand). VCF-style: chr2-21022857-C-A. GRCh37 (hg19) VCF-style: chr2-21245729-C-A.
Other names: short protein forms K930N.
Identifiers: ClinVar variation 3307827 (VCV003307827.1).
Genomic context (GRCh38, chr2:21,022,857, plus strand): 5'-AAACTGGCTAGGCAGACTTGGCTGAAAGAATTACCCTCCACTGAGCAGCTTGACTGGTCT[C>A]TTTGGGGAAGGAATGATAAACTTCAGCTTCCCAGCTTTTAGGGCAACATGAGCCTCCAGA-3'
Protein context (NP_000375.3, residues 920-940): GKLKFIIPSP[Lys930Asn]RPVKLLSGGN